The following is an entry in ClinVar:

ClinVar aggregate classification (germline): Uncertain significance (1 of 4 stars; one submission).

Conditions:
Hereditary cancer-predisposing syndrome. Also called: Hereditary Cancer Syndrome; Hereditary neoplastic syndrome; Neoplastic Syndromes, Hereditary; Tumor predisposition. Identifiers: Orphanet 140162, MedGen C0027672, MeSH D009386, MONDO:0015356.

Submission:

Ambry Genetics
Classification: Uncertain significance for Hereditary cancer-predisposing syndrome. Last evaluated: 2022-01-21. Review status: criteria provided, single submitter. Criteria: Ambry Variant Classification Scheme 2023. Collection method: clinical testing. Allele origin: germline.
Comment: The p.F1510S variant (also known as c.4529T>C), located in coding exon 34 of the TSC2 gene, results from a T to C substitution at nucleotide position 4529. The phenylalanine at codon 1510 is replaced by serine, an amino acid with highly dissimilar properties. This amino acid position is conserved. In addition, this alteration is predicted to be deleterious by in silico analysis. Since supporting evidence is limited at this time, the clinical significance of this alteration remains unclear.

NM_000548.5(TSC2):c.4529T>C (p.Phe1510Ser)

Gene: TSC2 (TSC complex subunit 2; plus strand). Cytogenetic location: 16p13.3.
Variant type: single nucleotide variant.
Coding change: c.4529T>C on transcript NM_000548.5 (MANE Select); coding-DNA position 4529, T replaced by C.
Protein change: p.Phe1510Ser; replaces phenylalanine 1510 with serine.
Molecular consequence: missense variant.
Genome position (GRCh38, 1-based): chr16:2,084,986, T>C. VCF-style: chr16-2084986-T-C. GRCh37 (hg19) VCF-style: chr16-2134987-T-C.
Other names: c.4328T>C, p.Phe1443Ser (NM_001077183.3); c.4460T>C, p.Phe1487Ser (NM_001114382.3); c.4220T>C, p.Phe1407Ser (NM_001318827.2); c.4184T>C, p.Phe1395Ser (NM_001318829.2); c.3797T>C, p.Phe1266Ser (NM_001318831.2); c.4361T>C, p.Phe1454Ser (NM_001318832.2); c.4331T>C, p.Phe1444Ser (NM_001363528.2); c.4397T>C, p.Phe1466Ser (NM_001370404.1); and 26 more; short protein forms F1243S, F1290S, F1310S, F1394S, F1395S, F1406S, F1439S, F1443S.
Identifiers: ClinVar variation 1741247 (VCV001741247.2), dbSNP rs2090583886, ClinGen allele CA394302858.